The following is an entry in ClinVar:

NM_003737.4(DCHS1):c.8927C>T (p.Ser2976Leu)

Gene: DCHS1 (dachsous cadherin-related 1; minus strand). Cytogenetic location: 11p15.4.
Variant type: single nucleotide variant.
Coding change: c.8927C>T on transcript NM_003737.4 (MANE Select); coding-DNA position 8927, C replaced by T.
Protein change: p.Ser2976Leu; replaces serine 2976 with leucine.
Molecular consequence: missense variant.
Genome position (GRCh38, 1-based): chr11:6,622,749, G>A on the plus strand (C>T on the coding strand, the complement: DCHS1 is on the minus strand). VCF-style: chr11-6622749-G-A. GRCh37 (hg19) VCF-style: chr11-6643980-G-A.
Other names: short protein forms S2976L.
Identifiers: ClinVar variation 1390540 (VCV001390540.6), dbSNP rs1246223285, ClinGen allele CA379480070.

ClinVar aggregate classification (germline): Uncertain significance (1 of 4 stars; one submission).

Allele frequency attached by ClinVar (database versions not stated): gnomAD exomes below 0.00001.
gnomAD v4.1: 1 of 1,591,158 alleles (0.000063%); highest among the groups gnomAD compares: Non-Finnish European, 0.000086%; no homozygotes.

Submission:

Labcorp Genetics (formerly Invitae), Labcorp
Classification: Uncertain significance. Last evaluated: 2022-03-08. Review status: criteria provided, single submitter. Criteria: Invitae Variant Classification Sherloc (09022015). Collection method: clinical testing. Allele origin: germline.
Comment: In summary, the available evidence is currently insufficient to determine the role of this variant in disease. Therefore, it has been classified as a Variant of Uncertain Significance. Advanced modeling of protein sequence and biophysical properties (such as structural, functional, and spatial information, amino acid conservation, physicochemical variation, residue mobility, and thermodynamic stability) performed at Invitae indicates that this missense variant is not expected to disrupt DCHS1 protein function. This variant has not been reported in the literature in individuals affected with DCHS1-related conditions. This variant is not present in population databases (gnomAD no frequency). This sequence change replaces serine, which is neutral and polar, with leucine, which is neutral and non-polar, at codon 2976 of the DCHS1 protein (p.Ser2976Leu).